The following is an entry in ClinVar:

NM_005327.7(HADH):c.796G>A (p.Gly266Arg)

Gene: HADH (hydroxyacyl-CoA dehydrogenase; plus strand). Cytogenetic location: 4q25.
Variant type: single nucleotide variant.
Coding change: c.796G>A on transcript NM_005327.7 (MANE Select); coding-DNA position 796, G replaced by A.
Protein change: p.Gly266Arg; replaces glycine 266 with arginine.
Molecular consequence: missense variant.
Genome position (GRCh38, 1-based): chr4:108,033,262, G>A. VCF-style: chr4-108033262-G-A. GRCh37 (hg19) VCF-style: chr4-108954418-G-A.
Other names: c.847G>A, p.Gly283Arg (NM_001184705.4); c.808G>A, p.Gly270Arg (NM_001331027.2); short protein forms G266R, G270R, G283R.
Identifiers: ClinVar variation 3710410 (VCV003710410.1).

ClinVar aggregate classification (germline): Uncertain significance (1 of 4 stars; one submission).

Conditions:
Deficiency of 3-hydroxyacyl-CoA dehydrogenase. Also called: 3-hydroxyacyl-CoA dehydrogenase deficiency; HADH DEFICIENCY. Identifiers: Orphanet 309127, Orphanet 71212, MedGen C1291230, MONDO:0017715, OMIM 231530.

Submission:

Labcorp Genetics (formerly Invitae), Labcorp
Classification: Uncertain significance for Deficiency of 3-hydroxyacyl-CoA dehydrogenase. Last evaluated: 2024-08-20. Review status: criteria provided, single submitter. Criteria: Invitae Variant Classification Sherloc (09022015). Collection method: clinical testing. Allele origin: germline.
Comment: This sequence change replaces glycine, which is neutral and non-polar, with arginine, which is basic and polar, at codon 266 of the HADH protein (p.Gly266Arg). This variant is present in population databases (no rsID available, gnomAD 0.003%). This variant has not been reported in the literature in individuals affected with HADH-related conditions. Invitae Evidence Modeling of protein sequence and biophysical properties (such as structural, functional, and spatial information, amino acid conservation, physicochemical variation, residue mobility, and thermodynamic stability) indicates that this missense variant is expected to disrupt HADH protein function with a positive predictive value of 80%. In summary, the available evidence is currently insufficient to determine the role of this variant in disease. Therefore, it has been classified as a Variant of Uncertain Significance.